The following is an entry in ClinVar:

ClinVar aggregate classification (germline): Pathogenic (1 of 4 stars; one submission).

Conditions:
Lynch syndrome 5 (LYNCH5). Also called: Colorectal cancer, hereditary nonpolyposis, type 5; Hereditary non-polyposis colorectal cancer, type 5. Identifiers: Orphanet 144, MedGen C1833477, MONDO:0013710, OMIM 614350. Disease mechanism: loss of function.

Submission:

GeneDx
Classification: Pathogenic. Last evaluated: 2016-10-04. Review status: criteria provided, single submitter. Criteria: GeneDx Variant Classification (06012015). Collection method: clinical testing. Allele origin: germline. Affected: yes.
Comment: This combined deletion and insertion is denoted MSH6 c.1198_1219del22insTCATC at the cDNA level and p.Glu400SerfsX12 (E400SfsX12) at the protein level. The surrounding sequence is GCCT[del22][TCATC]CTCC. The variant causes a frameshift which changes a Glutamic Acid to a Serine at codon 400, and creates a premature stop codon at position 12 of the new reading frame. Although this variant has not, to our knowledge, been reported in the literature, it is predicted to cause loss of normal protein function through either protein truncation or nonsense-mediated mRNA decay. We consider this variant to be pathogenic.

NM_000179.3(MSH6):c.1198_1219delinsTCATC (p.Glu400fs)

Gene: MSH6 (mutS homolog 6; plus strand). Cytogenetic location: 2p16.3.
Variant type: Indel.
Coding change: c.1198_1219delinsTCATC on transcript NM_000179.3 (MANE Select); coding-DNA positions 1198 to 1219, GAGGATTTCCTCAATTCTTGTA replaced by TCATC.
Protein change: p.Glu400fs; shifts the reading frame from glutamic acid 400.
Molecular consequence: frameshift variant.
Genome position (GRCh38, 1-based): chr2:47,799,181-47,799,202, GAGGATTTCCTCAATTCTTGTA replaced by TCATC. VCF-style: chr2-47799181-GAGGATTTCCTCAATTCTTGTA-TCATC. GRCh37 (hg19) VCF-style: chr2-48026320-GAGGATTTCCTCAATTCTTGTA-TCATC.
Other names: c.808_829delinsTCATC, p.Glu270fs (NM_001281492.2); c.292_313delinsTCATC, p.Glu98fs (NM_001281493.2, NM_001281494.2); c.1198_1219del22insTCATC (NM_000179.2); c.1198_1219delinsTCATC (NM_000179.2); short protein forms E98fs, E400fs, E270fs.
Identifiers: ClinVar variation 422454 (VCV000422454.3), dbSNP rs1064795790, ClinGen allele CA16617645.